The following is an entry in ClinVar:

NM_006019.4(TCIRG1):c.1272G>A (p.Glu424=)

Gene: TCIRG1 (T cell immune regulator 1, ATPase H+ transporting V0 subunit a3; plus strand). Cytogenetic location: 11q13.2.
Variant type: single nucleotide variant.
Coding change: c.1272G>A on transcript NM_006019.4 (MANE Select); coding-DNA position 1272, G replaced by A.
Protein change: p.Glu424=; no amino-acid change (glutamic acid 424 retained).
Molecular consequence: synonymous variant. On other transcripts: intron variant (1).
Genome position (GRCh38, 1-based): chr11:68,047,539, G>A. VCF-style: chr11-68047539-G-A. GRCh37 (hg19) VCF-style: chr11-67815006-G-A.
Other names: c.378G>A, p.Glu126= (NM_001351059.2); c.1272G>A, p.Glu424= (NM_001440552.1, NM_001440553.1, NM_001440554.1 and 2 more transcripts); c.1230G>A, p.Glu410= (NM_001440555.1, NM_001440556.1, NM_001440563.1); c.1059G>A, p.Glu353= (NM_001440559.1, NM_001440560.1, NM_001440561.1 and 3 more transcripts); c.1017G>A, p.Glu339= (NM_001440564.1); c.972G>A, p.Glu324= (NM_001440565.1); c.804G>A, p.Glu268= (NM_001440568.1); c.624G>A, p.Glu208= (NM_006053.4); and 1 more.
Identifiers: ClinVar variation 4823379 (VCV004823379.4).

ClinVar aggregate classification (germline): Likely benign (1 of 4 stars; one submission).

Submission:

CeGaT Center for Human Genetics Tuebingen
Classification: Likely benign. Last evaluated: 2026-02-01. Review status: criteria provided, single submitter. Criteria: CeGaT Center For Human Genetics Tuebingen Variant Classification Criteria Version 2. Collection method: clinical testing. Allele origin: germline. Affected: yes. Observed: 1 variant allele.
Comment: TCIRG1: PM2:Supporting, BP4, BP7